The following is an entry in ClinVar:

ClinVar aggregate classification (germline): Likely pathogenic (1 of 4 stars; one submission).

Conditions:
Autosomal dominant nonsyndromic hearing loss 23. Identifiers: Orphanet 90635, MedGen C1854594, MONDO:0011519, OMIM 605192.

Submission:

Laboratory of Prof. Karen Avraham, Tel Aviv University
Classification: Likely pathogenic for Autosomal dominant nonsyndromic hearing loss 23. Last evaluated: 2024-06-05. Review status: criteria provided, single submitter. Criteria: ACMG Guidelines, 2015. Collection method: research. Allele origin: germline. Affected: yes. Observed: 1 variant allele.
Comment: A very rare variant and predicted deleterious by all prediction programs

DFNA23; moderate-profound HL

NM_005982.4(SIX1):c.353C>T (p.Pro118Leu)

Gene: SIX1 (SIX homeobox 1; minus strand). Cytogenetic location: 14q23.1.
Variant type: single nucleotide variant.
Coding change: c.353C>T on transcript NM_005982.4 (MANE Select); coding-DNA position 353, C replaced by T.
Protein change: p.Pro118Leu; replaces proline 118 with leucine.
Molecular consequence: missense variant.
Genome position (GRCh38, 1-based): chr14:60,648,837, G>A on the plus strand (C>T on the coding strand, the complement: SIX1 is on the minus strand). VCF-style: chr14-60648837-G-A. GRCh37 (hg19) VCF-style: chr14-61115555-G-A.
Other names: c.353C>T, p.Pro118Leu (NM_001425142.1); short protein forms P118L.
Identifiers: ClinVar variation 3250399 (VCV003250399.1), dbSNP rs1895003578.